The following is an entry in ClinVar:

NM_005334.3(HCFC1):c.2695G>A (p.Gly899Ser)

Gene: HCFC1 (host cell factor C1; minus strand). Cytogenetic location: Xq28.
Variant type: single nucleotide variant.
Coding change: c.2695G>A on transcript NM_005334.3 (MANE Select); coding-DNA position 2695, G replaced by A.
Protein change: p.Gly899Ser; replaces glycine 899 with serine.
Molecular consequence: missense variant.
Genome position (GRCh38, 1-based): chrX:153,956,352, C>T on the plus strand (G>A on the coding strand, the complement: HCFC1 is on the minus strand). VCF-style: chrX-153956352-C-T. GRCh37 (hg19) VCF-style: chrX-153221803-C-T.
Other names: c.2695G>A, p.Gly899Ser (NM_001410705.1); short protein forms G899S.
Identifiers: ClinVar variation 3369020 (VCV003369020.1).

ClinVar aggregate classification (germline): Uncertain significance (1 of 4 stars; one submission).

gnomAD v4.1: 1 of 1,210,793 alleles (0.000083%); highest among the groups gnomAD compares: African/African-American, 0.0017%; no homozygotes.

Submission:

GeneDx
Classification: Uncertain significance. Last evaluated: 2024-02-15. Review status: criteria provided, single submitter. Criteria: GeneDx Variant Classification Process June 2021. Collection method: clinical testing. Allele origin: germline. Affected: yes.
Comment: Not observed at significant frequency in large population cohorts (gnomAD); In silico analysis supports that this missense variant does not alter protein structure/function; Has not been previously published as pathogenic or benign to our knowledge